The following is an entry in ClinVar:

NM_015107.3(PHF8):c.2130-12T>A

Gene: PHF8 (PHD finger protein 8; minus strand). Cytogenetic location: Xp11.22.
Variant type: single nucleotide variant.
Coding change: c.2130-12T>A on transcript NM_015107.3 (MANE Select); 12 bases into the intron before coding-DNA position 2130, T replaced by A.
Molecular consequence: intron variant.
Genome position (GRCh38, 1-based): chrX:53,985,239, A>T on the plus strand (T>A on the coding strand, the complement: PHF8 is on the minus strand). VCF-style: chrX-53985239-A-T. GRCh37 (hg19) VCF-style: chrX-54011672-A-T.
Other names: c.2238-12T>A (NM_001184896.1); c.1827-12T>A (NM_001184897.2); c.2079-12T>A (NM_001184898.2).
Identifiers: ClinVar variation 3766360 (VCV003766360.1).
Genomic context (GRCh38, chrX:53,985,239, plus strand): 5'-CAGCATGCCCTGGATGGCCTCCTGAGTGCTGGGAGAAGCTGGGGCCTCGCTGCAAGGAAC[A>T]GAGGAGAAATACTGAGAGAGTTGTTTTTAGCTGTCAGAGTAAATCGGTCATCAGAATACT-3'

ClinVar aggregate classification (germline): Uncertain significance (1 of 4 stars; one submission).

Submission:

GeneDx
Classification: Uncertain significance. Last evaluated: 2024-08-28. Review status: criteria provided, single submitter. Criteria: GeneDx Variant Classification Process June 2021. Collection method: clinical testing. Allele origin: germline. Affected: yes.
Comment: Not observed at significant frequency in large population cohorts (gnomAD); In silico analysis supports a deleterious effect on splicing; Has not been previously published as pathogenic or benign to our knowledge